The following is an entry in ClinVar:

NM_139276.3(STAT3):c.586_590dup (p.Gln198fs)

Genes: STAT3 (signal transducer and activator of transcription 3; minus strand), LOC130060889 (ATAC-STARR-seq lymphoblastoid silent region 8525; plus strand). Cytogenetic location: 17q21.2.
Variant type: Duplication.
Coding change: c.586_590dup on transcript NM_139276.3 (MANE Select); coding-DNA positions 586 to 590, 5 bases duplicated (ACCAG; older notation c.586_590dupACCAG).
Protein change: p.Gln198fs; shifts the reading frame from glutamine 198.
Molecular consequence: frameshift variant.
Genome position (GRCh38, 1-based): chr17:42,337,818-42,337,822, CTGGT duplicated on the plus strand (ACCAG on the coding strand, the reverse complement: STAT3 is on the minus strand); duplicating any 5 consecutive bases within chr17:42,337,818-42,337,823 gives the same sequence; the c. name uses the placement nearest the transcript's 3' end. VCF-style (leftmost placement, unchanged base first): chr17-42337817-C-CCTGGT. GRCh37 (hg19) VCF-style: chr17-40489835-C-CCTGGT.
Other names: c.586_590dup, p.Gln198fs (NM_001369512.1, NM_001369513.1, NM_001369514.1 and 15 more transcripts); c.508_512dup, p.Gln172fs (NM_001384985.1); c.490_494dup, p.Gln166fs (NM_001384989.1); short protein forms Q172fs, Q198fs, Q166fs.
Identifiers: ClinVar variation 2073729 (VCV002073729.4), dbSNP rs2509438347, ClinGen allele CA2580093770.
Genomic context (GRCh38, chr17:42,337,817, plus strand): 5'-CCTTACTCTCCGCATCTGGTCCAGCGCAGTGAGCATCTGTTCCAGCTGCTGCATCTTCTG[C>CCTGGT]CTGGTCACTGACTGGTTGTTTCCATTCAGATCTTGCATGTCTGCGAAGGAAGAAAAAACT-3'

ClinVar aggregate classification (germline): Uncertain significance (1 of 4 stars; one submission).

Conditions:
Hyper-IgE recurrent infection syndrome 1, autosomal dominant. Also called: JOB SYNDROME; HYPER-IgE SYNDROME 1, AUTOSOMAL DOMINANT, WITH RECURRENT INFECTIONS; Job's Syndrome; STAT3 Hyper IgE Syndrome; Hyper-IgE recurrent infection syndrome 1. Identifiers: Orphanet 2314, MedGen C2936739, MONDO:0007818, OMIM 147060.
STAT3 gain of function. Identifiers: MedGen C4288261.

Submission:

Labcorp Genetics (formerly Invitae), Labcorp
Classification: Uncertain significance for STAT3 gain of function; Hyper-IgE recurrent infection syndrome 1, autosomal dominant. Last evaluated: 2022-01-04. Review status: criteria provided, single submitter. Criteria: Invitae Variant Classification Sherloc (09022015). Collection method: clinical testing. Allele origin: germline.
Comment: This variant has not been reported in the literature in individuals affected with STAT3-related conditions. This variant is not present in population databases (gnomAD no frequency). This sequence change creates a premature translational stop signal (p.Gln198Profs*23) in the STAT3 gene. It is expected to result in an absent or disrupted protein product. However, the current clinical and genetic evidence is not sufficient to establish whether loss-of-function variants in STAT3 cause disease. In summary, the available evidence is currently insufficient to determine the role of this variant in disease. Therefore, it has been classified as a Variant of Uncertain Significance.